The following is an entry in ClinVar:

ClinVar aggregate classification (germline): Benign/Likely benign. Review status: criteria provided, multiple submitters, no conflicts (2 of 4 stars). 5 submissions from 5 submitters: Benign (1); Likely benign (4). Last evaluated 2025-04-07.

Conditions:
Familial cancer of breast. Also called: BREAST CANCER, FAMILIAL; Hereditary breast cancer; hereditary breast carcinoma. Identifiers: Orphanet 227535, MedGen C0346153, MONDO:0016419, OMIM 114480. Disease mechanism: loss of function.
Hereditary cancer-predisposing syndrome. Also called: Hereditary neoplastic syndrome; Neoplastic Syndromes, Hereditary; Hereditary Cancer Syndrome; Tumor predisposition. Identifiers: Orphanet 140162, MedGen C0027672, MeSH D009386, MONDO:0015356.

Submissions (5):

Labcorp Genetics (formerly Invitae), Labcorp
Classification: Likely benign for Familial cancer of breast. Last evaluated: 2025-04-07. Review status: criteria provided, single submitter. Criteria: Invitae Variant Classification Sherloc (09022015). Collection method: clinical testing. Allele origin: germline.

Center for Genomic Medicine, Rigshospitalet, Copenhagen University Hospital
Classification: Likely benign. Last evaluated: 2025-03-04. Review status: criteria provided, single submitter. Criteria: ACMG Guidelines, 2015. Collection method: clinical testing. Allele origin: germline.

Myriad Genetics, Inc.
Classification: Benign for Familial cancer of breast. Last evaluated: 2024-07-18. Review status: criteria provided, single submitter. Criteria: Myriad Autosomal Dominant, Autosomal Recessive and X-Linked Classification Criteria (2023). Collection method: clinical testing. Allele origin: unknown.
Comment: This variant is considered benign. This variant is a silent/synonymous amino acid change and it is not expected to impact splicing.

Color Diagnostics, LLC DBA Color Health
Classification: Likely benign for Hereditary cancer-predisposing syndrome. Last evaluated: 2018-12-04. Review status: criteria provided, single submitter. Criteria: ACMG Guidelines, 2015. Collection method: clinical testing. Allele origin: germline.

Ambry Genetics
Classification: Likely benign for Hereditary cancer-predisposing syndrome. Last evaluated: 2018-08-13. Review status: criteria provided, single submitter. Criteria: Ambry Variant Classification Scheme 2023. Collection method: clinical testing. Allele origin: germline.

NM_000465.4(BARD1):c.13C>A (p.Arg5=)

Gene: BARD1 (BRCA1 associated RING domain 1; minus strand). Cytogenetic location: 2q35.
Variant type: single nucleotide variant.
Coding change: c.13C>A on transcript NM_000465.4 (MANE Select); coding-DNA position 13, C replaced by A.
Protein change: p.Arg5=; no amino-acid change (arginine 5 retained).
Molecular consequence: synonymous variant. On other transcripts: non-coding transcript variant (3).
Genome position (GRCh38, 1-based): chr2:214,809,557, G>T on the plus strand (C>A on the coding strand, the complement: BARD1 is on the minus strand). VCF-style: chr2-214809557-G-T. GRCh37 (hg19) VCF-style: chr2-215674281-G-T.
Other names: c.13C>A, p.Arg5= (NM_001282543.2, NM_001282545.2, NM_001282548.2 and 1 more transcripts).
Identifiers: ClinVar variation 530250 (VCV000530250.24), dbSNP rs766441081, ClinGen allele CA64810467.
Genomic context (GRCh38, chr2:214,809,557, plus strand): 5'-CGGGCGCGGAACGAGGCTCGTTCCCGGAGCGGATCCTCGGCTGCCGGTTCCTCGGCTGCC[G>T]ATTATCCGGCATCGTCCCGCCTTCGGATGAAAGGCTCCTCGCAGAGCGGGAAGCAAGGAA-3'
Protein context (NP_000456.2, residues 1-15): MPDN[Arg5=]QPRNRQPRIR